The following is an entry in ClinVar:

ClinVar aggregate classification (germline): Uncertain significance (1 of 4 stars; one submission).

Submission:

Labcorp Genetics (formerly Invitae), Labcorp
Classification: Uncertain significance. Last evaluated: 2022-03-19. Review status: criteria provided, single submitter. Criteria: Invitae Variant Classification Sherloc (09022015). Collection method: clinical testing. Allele origin: germline.
Comment: In summary, the available evidence is currently insufficient to determine the role of this variant in disease. Therefore, it has been classified as a Variant of Uncertain Significance. Advanced modeling of protein sequence and biophysical properties (such as structural, functional, and spatial information, amino acid conservation, physicochemical variation, residue mobility, and thermodynamic stability) performed at Invitae indicates that this missense variant is not expected to disrupt RALA protein function. This variant has not been reported in the literature in individuals affected with RALA-related conditions. This variant is not present in population databases (gnomAD no frequency). This sequence change replaces serine, which is neutral and polar, with arginine, which is basic and polar, at codon 183 of the RALA protein (p.Ser183Arg).

NM_005402.4(RALA):c.549C>G (p.Ser183Arg)

Gene: RALA (RAS like proto-oncogene A; plus strand). Cytogenetic location: 7p14.1.
Variant type: single nucleotide variant.
Coding change: c.549C>G on transcript NM_005402.4 (MANE Select); coding-DNA position 549, C replaced by G.
Protein change: p.Ser183Arg; replaces serine 183 with arginine.
Molecular consequence: missense variant.
Genome position (GRCh38, 1-based): chr7:39,706,173, C>G. VCF-style: chr7-39706173-C-G. GRCh37 (hg19) VCF-style: chr7-39745772-C-G.
Other names: short protein forms S183R.
Identifiers: ClinVar variation 1503210 (VCV001503210.8), dbSNP rs2115564455, ClinGen allele CA367307258.